The following is an entry in ClinVar:

NM_015087.5(SPART):c.*846G>A

Gene: SPART (spartin; minus strand). Cytogenetic location: 13q13.3.
Variant type: single nucleotide variant.
Coding change: c.*846G>A on transcript NM_015087.5 (MANE Select); 846 bases downstream of the stop codon, G replaced by A.
Molecular consequence: 3 prime UTR variant.
Genome position (GRCh38, 1-based): chr13:36,303,519, C>T on the plus strand (G>A on the coding strand, the complement: SPART is on the minus strand). VCF-style: chr13-36303519-C-T. GRCh37 (hg19) VCF-style: chr13-36877656-C-T.
Other names: c.*846G>A (NM_001142294.2, NM_001142295.2, NM_001142296.2).
Identifiers: ClinVar variation 311752 (VCV000311752.6), dbSNP rs1054152, ClinGen allele CA10643226.

ClinVar aggregate classification (germline): Likely benign. Review status: criteria provided, multiple submitters, no conflicts (2 of 4 stars). 2 submissions from 2 submitters: Likely benign (2). Last evaluated 2017-04-27.

Conditions:
Troyer syndrome (SPG20). Identifiers: Orphanet 101000, MedGen C0393559, MONDO:0010156, OMIM 275900.

Allele frequency attached by ClinVar (database versions not stated): 1000 Genomes Project 30x 0.13710; 1000 Genomes Project 0.13818; TOPMed 0.15562; gnomAD 0.16315 and 0.16356.

Submissions (2):

Illumina Laboratory Services, Illumina
Classification: Likely benign for Troyer syndrome. Last evaluated: 2017-04-27. Review status: criteria provided, single submitter. Criteria: ICSL Variant Classification Criteria 13 December 2019. Collection method: clinical testing. Allele origin: germline.
Comment: This variant was observed as part of a predisposition screen in an ostensibly healthy population. A literature search was performed for the gene, cDNA change, and amino acid change (where applicable). No publications were found based on this search. Allele frequency data from public databases allowed determination this variant is unlikely to cause disease. Therefore, this variant is classified as likely benign.

Breakthrough Genomics
Classification: Likely benign. Review status: criteria provided, single submitter. Criteria: ACMG Guidelines, 2015. Collection method: not provided. Allele origin: germline. Inheritance: Autosomal recessive inheritance. Affected: yes.